The following is an entry in ClinVar:

ClinVar aggregate classification (germline): Uncertain significance. Review status: criteria provided, multiple submitters, no conflicts (2 of 4 stars). 6 submissions from 6 submitters: Uncertain significance (6). Last evaluated 2025-04-23.

Conditions:
Autosomal recessive limb-girdle muscular dystrophy type R18 (LGMDR18). Also called: Autosomal recessive limb-girdle muscular dystrophy type 2S; MUSCULAR DYSTROPHY, LIMB-GIRDLE, AUTOSOMAL RECESSIVE 18; Limb-girdle muscular dystrophy, type 2S. Identifiers: Orphanet 369840, MedGen C4517996, MONDO:0014144, OMIM 615356.

Allele frequency attached by ClinVar (database versions not stated): TOPMed 0.00017; gnomAD 0.00020 and 0.00021; gnomAD exomes 0.00021; ExAC 0.00026; ESP Exome Variant Server 0.00038.
gnomAD v4.1: 338 of 1,614,070 alleles (0.021%); highest among the groups gnomAD compares: Non-Finnish European, 0.025%; no homozygotes.

Submissions (6):

GeneDx
Classification: Uncertain significance. Last evaluated: 2025-04-23. Review status: criteria provided, single submitter. Criteria: GeneDx Variant Classification Process June 2021. Collection method: clinical testing. Allele origin: germline. Affected: yes.
Comment: Stop codon loss and change to a arginine codon, leading to protein extension and the addition of 23 amino acids at the C-terminus; Has not been previously published as pathogenic or benign to our knowledge

Blueprint Genetics
Classification: Uncertain significance. Last evaluated: 2024-10-31. Review status: criteria provided, single submitter. Criteria: ACMG Guidelines, 2015. Collection method: clinical testing. Allele origin: germline.

Women's Health and Genetics/Laboratory Corporation of America, LabCorp
Classification: Uncertain significance. Last evaluated: 2024-02-19. Review status: criteria provided, single submitter. Criteria: LabCorp Variant Classification Summary - May 2015. Collection method: clinical testing. Allele origin: germline.
Comment: Variant summary: TRAPPC11 c.3400T>C (p.X1134ArgextX23) changes the termination codon and is predicted to lead to an extended protein with additional amino acids added to the normal C-terminus. The variant allele was found at a frequency of 0.00021 (i.e. reported in 338 carriers) in 1607074 control chromosomes (gnomAD v4.0). This frequency is not higher than the estimated maximum expected for a pathogenic variant in TRAPPC11 causing Limb-Girdle Muscular Dystrophy, Autosomal Recessive (0.00072), allowing no conclusion about variant significance. To our knowledge, no occurrence of c.3400T>C in individuals affected with Limb-Girdle Muscular Dystrophy, Autosomal Recessive and no experimental evidence demonstrating its impact on protein function have been reported. ClinVar contains an entry for this variant (Variation ID: 577012). Based on the evidence outlined above, the variant was classified as uncertain significance.

Labcorp Genetics (formerly Invitae), Labcorp
Classification: Uncertain significance for Autosomal recessive limb-girdle muscular dystrophy type R18. Last evaluated: 2022-09-08. Review status: criteria provided, single submitter. Criteria: Invitae Variant Classification Sherloc (09022015). Collection method: clinical testing. Allele origin: germline.
Comment: This sequence change disrupts the translational stop signal of the TRAPPC11 mRNA. It is expected to extend the length of the TRAPPC11 protein by 23 additional amino acid residues. This variant is present in population databases (rs142222368, gnomAD 0.04%). This variant has not been reported in the literature in individuals affected with TRAPPC11-related conditions. ClinVar contains an entry for this variant (Variation ID: 577012). Experimental studies and prediction algorithms are not available or were not evaluated, and the functional significance of this variant is currently unknown. In summary, the available evidence is currently insufficient to determine the role of this variant in disease. Therefore, it has been classified as a Variant of Uncertain Significance.

Revvity Omics, Revvity
Classification: Uncertain significance for Autosomal recessive limb-girdle muscular dystrophy type R18. Last evaluated: 2022-09-05. Review status: criteria provided, single submitter. Criteria: ACMG Guidelines, 2015. Collection method: clinical testing. Allele origin: germline.

Athena Diagnostics
Classification: Uncertain significance. Last evaluated: 2019-08-16. Review status: criteria provided, single submitter. Criteria: Athena Diagnostics Criteria. Collection method: clinical testing. Allele origin: germline.

NM_021942.6(TRAPPC11):c.3400T>C (p.Ter1134Arg)

Gene: TRAPPC11 (trafficking protein particle complex subunit 11; plus strand). Cytogenetic location: 4q35.1.
Variant type: single nucleotide variant.
Coding change: c.3400T>C on transcript NM_021942.6 (MANE Select); coding-DNA position 3400, T replaced by C.
Protein change: p.Ter1134Arg.
Molecular consequence: stop lost. On other transcripts: 3 prime UTR variant (1).
Genome position (GRCh38, 1-based): chr4:183,712,642, T>C. VCF-style: chr4-183712642-T-C. GRCh37 (hg19) VCF-style: chr4-184633795-T-C.
Other names: *1134R; c.*20T>C (NM_199053.3).
Identifiers: ClinVar variation 577012 (VCV000577012.17), dbSNP rs142222368, ClinGen allele CA3152526.